The following is an entry in ClinVar:

NM_000719.7(CACNA1C):c.6344G>C (p.Gly2115Ala)

Genes: CACNA1C (calcium voltage-gated channel subunit alpha1 C; plus strand), CACNA1C-AS1 (CACNA1C antisense RNA 1; minus strand). Cytogenetic location: 12p13.33.
Variant type: single nucleotide variant.
Coding change: c.6344G>C on transcript NM_000719.7 (MANE Select); coding-DNA position 6344, G replaced by C.
Protein change: p.Gly2115Ala; replaces glycine 2115 with alanine.
Molecular consequence: missense variant. On other transcripts: non-coding transcript variant (1).
Genome position (GRCh38, 1-based): chr12:2,691,126, G>C. VCF-style: chr12-2691126-G-C. GRCh37 (hg19) VCF-style: chr12-2800292-G-C.
Other names: c.6488G>C, p.Gly2163Ala (NM_001129827.2); c.6467G>C, p.Gly2156Ala (NM_001129829.2); c.6449G>C, p.Gly2150Ala (NM_001129830.3, NM_001167624.3); c.6428G>C, p.Gly2143Ala (NM_001129831.2); c.6404G>C, p.Gly2135Ala (NM_001129832.2); c.6401G>C, p.Gly2134Ala (NM_001129833.2, NM_001129834.2, NM_001129835.2); c.6395G>C, p.Gly2132Ala (NM_001129836.2); c.6368G>C, p.Gly2123Ala (NM_001129837.2, NM_001129838.2); and 7 more; short protein forms G2115A, G2150A, G2163A, G2112A, G2123A, G2132A, G2135A, G2156A.
Identifiers: ClinVar variation 191428 (VCV000191428.22), dbSNP rs199694744, ClinGen allele CA236633.
Genomic context (GRCh38, chr12:2,691,126, plus strand): 5'-TACCCTTTGTGAACTGCAGGGACGCGGGGCAGGACCGAGCCGGGGGCGAAGAGGACGCGG[G>C]CTGTGTGCGCGCGCGGGGTCGACCGAGTGAGGAGGAGCTCCAGGACAGCAGGGTCTACGT-3'
Protein context (NP_000710.5, residues 2105-2125): QDRAGGEEDA[Gly2115Ala]CVRARGRPSE

ClinVar aggregate classification (germline): Conflicting classifications of pathogenicity. Review status: criteria provided, conflicting classifications (1 of 4 stars). 7 submissions from 7 submitters: Uncertain significance (1); Likely benign (6). Last evaluated 2026-01-25.

Conditions:
Cardiovascular phenotype. Identifiers: MedGen CN230736.
CACNA1C-related disorder. Also called: CACNA1C-related disorders; CACNA1C-related condition. Identifiers: MedGen CN381092, MONDO:0700321.
Long QT syndrome (LQTS). Identifiers: MedGen C0023976, MeSH D008133, MONDO:0002442. Disease mechanism: loss of function. Inheritance: Various modes of inheritance.

Allele frequency attached by ClinVar (database versions not stated): ESP Exome Variant Server 0.00016; gnomAD exomes 0.00016; TOPMed 0.00010; ExAC 0.00010.
gnomAD v4.1: 153 of 1,608,994 alleles (0.0095%); highest among the groups gnomAD compares: Middle Eastern, 0.017%; no homozygotes.

Submissions (7):

Labcorp Genetics (formerly Invitae), Labcorp
Classification: Likely benign for Long QT syndrome. Last evaluated: 2026-01-25. Review status: criteria provided, single submitter. Criteria: Invitae Variant Classification Sherloc (09022015). Collection method: clinical testing. Allele origin: germline.

PreventionGenetics, part of Exact Sciences
Classification: Likely benign for CACNA1C-related condition. Last evaluated: 2025-12-29. Review status: criteria provided, single submitter. Criteria: ACMG Guidelines, 2015. Collection method: clinical testing. Allele origin: germline.
Comment: This variant is classified as likely benign based on ACMG/AMP sequence variant interpretation guidelines (Richards et al. 2015 PMID: 25741868, with internal and published modifications).

Molecular Diagnostic Laboratory for Inherited Cardiovascular Disease, Montreal Heart Institute
Classification: Likely benign. Last evaluated: 2025-04-09. Review status: criteria provided, single submitter. Criteria: ACMG Guidelines, 2015. Collection method: clinical testing. Allele origin: germline. Affected: no.
Comment: BS1, BP4, BP6

Blueprint Genetics
Classification: Likely benign. Last evaluated: 2024-10-25. Review status: criteria provided, single submitter. Criteria: ACMG Guidelines, 2015. Collection method: clinical testing. Allele origin: germline.

GeneDx
Classification: Likely benign. Last evaluated: 2020-01-09. Review status: criteria provided, single submitter. Criteria: GeneDx Variant Classification Process June 2021. Collection method: clinical testing. Allele origin: germline. Affected: yes.
Comment: In silico analysis, which includes protein predictors and evolutionary conservation, supports that this variant does not alter protein structure/function; This variant is associated with the following publications: (PMID: 23861362)

Ambry Genetics
Classification: Likely benign for Cardiovascular phenotype. Last evaluated: 2017-11-07. Review status: criteria provided, single submitter. Criteria: Ambry Variant Classification Scheme 2023. Collection method: clinical testing. Allele origin: germline.

Biesecker Lab/Clinical Genomics Section, National Institutes of Health
Classification: Uncertain significance. Last evaluated: 2013-06-24. Review status: criteria provided, single submitter. Criteria: Ng et al. (Circ Cardiovasc Genet. 2013). Collection method: research. Allele origin: unknown. Observed: 1 variant allele. Study: ClinSeq.
Comment: The study set was not selected for affection status in relation to any cancer. Pathogenicity categories were based on literature curation. See Pubmed ID:23861362 for details.

Medical sequencing

Literature cited by the submitters: PubMed 23861362 (cited by Ambry Genetics).